The following is an entry in ClinVar:

ClinVar aggregate classification (germline): Uncertain significance (1 of 4 stars; one submission).

Conditions:
Congenital heart defects, multiple types, 4 (CHTD4). Identifiers: MedGen C4014310, MONDO:0014344, OMIM 615779.

Submission:

Labcorp Genetics (formerly Invitae), Labcorp
Classification: Uncertain significance for Congenital heart defects, multiple types, 4. Last evaluated: 2019-04-03. Review status: criteria provided, single submitter. Criteria: Invitae Variant Classification Sherloc (09022015). Collection method: clinical testing. Allele origin: germline.
Comment: Algorithms developed to predict the effect of missense changes on protein structure and function (SIFT, PolyPhen-2, Align-GVGD) all suggest that this variant is likely to be disruptive, but these predictions have not been confirmed by published functional studies and their clinical significance is uncertain. In summary, the available evidence is currently insufficient to determine the role of this variant in disease. Therefore, it has been classified as a Variant of Uncertain Significance. This variant has not been reported in the literature in individuals with NR2F2-related conditions. This sequence change replaces lysine with asparagine at codon 316 of the NR2F2 protein (p.Lys316Asn). The lysine residue is highly conserved and there is a moderate physicochemical difference between lysine and asparagine. This variant is not present in population databases (ExAC no frequency).

NM_021005.4(NR2F2):c.948G>T (p.Lys316Asn)

Gene: NR2F2 (nuclear receptor subfamily 2 group F member 2; plus strand). Cytogenetic location: 15q26.2.
Variant type: single nucleotide variant.
Coding change: c.948G>T on transcript NM_021005.4 (MANE Select); coding-DNA position 948, G replaced by T.
Protein change: p.Lys316Asn; replaces lysine 316 with asparagine.
Molecular consequence: missense variant.
Genome position (GRCh38, 1-based): chr15:96,334,581, G>T. VCF-style: chr15-96334581-G-T. GRCh37 (hg19) VCF-style: chr15-96877810-G-T.
Other names: c.549G>T, p.Lys183Asn (NM_001145155.2); c.489G>T, p.Lys163Asn (NM_001145156.1, NM_001145157.2); short protein forms K163N, K183N, K316N.
Identifiers: ClinVar variation 854815 (VCV000854815.9), dbSNP rs1899261470, ClinGen allele CA393931538.